The following is an entry in ClinVar:

ClinVar aggregate classification (germline): Benign/Likely benign. Review status: criteria provided, multiple submitters, no conflicts (2 of 4 stars). 5 submissions from 5 submitters: Benign (1); Likely benign (4). Last evaluated 2025-12-03.

Conditions:
Hereditary cancer-predisposing syndrome. Also called: Tumor predisposition; Neoplastic Syndromes, Hereditary; Hereditary neoplastic syndrome; Hereditary Cancer Syndrome. Identifiers: Orphanet 140162, MedGen C0027672, MeSH D009386, MONDO:0015356.
Lynch syndrome 5 (LYNCH5). Also called: Colorectal cancer, hereditary nonpolyposis, type 5; Hereditary non-polyposis colorectal cancer, type 5. Identifiers: Orphanet 144, MedGen C1833477, MONDO:0013710, OMIM 614350. Disease mechanism: loss of function.
Hereditary nonpolyposis colorectal neoplasms. Identifiers: MedGen C0009405, MeSH D003123.

Submissions (5):

Labcorp Genetics (formerly Invitae), Labcorp
Classification: Likely benign for Hereditary nonpolyposis colorectal neoplasms. Last evaluated: 2025-12-03. Review status: criteria provided, single submitter. Criteria: Invitae Variant Classification Sherloc (09022015). Collection method: clinical testing. Allele origin: germline.

Quest Diagnostics Nichols Institute San Juan Capistrano
Classification: Likely benign. Last evaluated: 2025-10-10. Review status: criteria provided, single submitter. Criteria: Quest Diagnostics criteria. Collection method: clinical testing. Allele origin: unknown.

Myriad Genetics, Inc.
Classification: Benign for Lynch syndrome 5. Last evaluated: 2025-01-06. Review status: criteria provided, single submitter. Criteria: Myriad Autosomal Dominant, Autosomal Recessive and X-Linked Classification Criteria (2023). Collection method: clinical testing. Allele origin: unknown.
Comment: This variant is considered benign. This variant is a silent/synonymous amino acid change and it is not expected to impact splicing.

Color Diagnostics, LLC DBA Color Health
Classification: Likely benign for Hereditary cancer-predisposing syndrome. Last evaluated: 2024-06-17. Review status: criteria provided, single submitter. Criteria: ACMG Guidelines, 2015. Collection method: clinical testing. Allele origin: germline.

Ambry Genetics
Classification: Likely benign for Hereditary cancer-predisposing syndrome. Last evaluated: 2016-03-11. Review status: criteria provided, single submitter. Criteria: Ambry Variant Classification Scheme 2023. Collection method: clinical testing. Allele origin: germline.

NM_000179.3(MSH6):c.3255C>A (p.Thr1085=)

Gene: MSH6 (mutS homolog 6; plus strand). Cytogenetic location: 2p16.3.
Variant type: single nucleotide variant.
Coding change: c.3255C>A on transcript NM_000179.3 (MANE Select); coding-DNA position 3255, C replaced by A.
Protein change: p.Thr1085=; no amino-acid change (threonine 1085 retained).
Molecular consequence: synonymous variant.
Genome position (GRCh38, 1-based): chr2:47,803,502, C>A. VCF-style: chr2-47803502-C-A. GRCh37 (hg19) VCF-style: chr2-48030641-C-A.
Other names: c.2865C>A, p.Thr955= (NM_001281492.2); c.2349C>A, p.Thr783= (NM_001281493.2, NM_001281494.2).
Identifiers: ClinVar variation 416162 (VCV000416162.16), dbSNP rs371568610, ClinGen allele CA16611038.